The following is an entry in ClinVar:

NM_003482.4(KMT2D):c.6919G>A (p.Val2307Ile)

Gene: KMT2D (lysine methyltransferase 2D; minus strand). Cytogenetic location: 12q13.12.
Variant type: single nucleotide variant.
Coding change: c.6919G>A on transcript NM_003482.4 (MANE Select); coding-DNA position 6919, G replaced by A.
Protein change: p.Val2307Ile; replaces valine 2307 with isoleucine.
Molecular consequence: missense variant.
Genome position (GRCh38, 1-based): chr12:49,040,851, C>T on the plus strand (G>A on the coding strand, the complement: KMT2D is on the minus strand). VCF-style: chr12-49040851-C-T. GRCh37 (hg19) VCF-style: chr12-49434634-C-T.
Other names: c.6919G>A (NM_003482.3); short protein forms V2307I.
Identifiers: ClinVar variation 445402 (VCV000445402.9), dbSNP rs763955557, ClinGen allele CA6547156.

ClinVar aggregate classification (germline): Benign/Likely benign. Review status: criteria provided, multiple submitters, no conflicts (2 of 4 stars). 3 submissions from 3 submitters: Benign (1); Likely benign (1). 1 of the submissions does not count toward it. Last evaluated 2025-12-13.

Conditions:
Kabuki syndrome. Also called: Kabuki make-up syndrome; NIIKAWA-KUROKI SYNDROME. Identifiers: Orphanet 2322, MedGen C0796004, MONDO:0016512.
KMT2D-related disorder. Also called: KMT2D-Related Disorders.

Allele frequency attached by ClinVar (database versions not stated): ExAC 0.00001; gnomAD 0.00002 and 0.00003; gnomAD exomes 0.00002 and 0.00005; TOPMed 0.00005.
gnomAD v4.1: 79 of 1,613,674 alleles (0.0049%); highest among the groups gnomAD compares: Non-Finnish European, 0.0062%; no homozygotes.

Submissions (3):

Labcorp Genetics (formerly Invitae), Labcorp
Classification: Benign for Kabuki syndrome. Last evaluated: 2025-12-13. Review status: criteria provided, single submitter. Criteria: Invitae Variant Classification Sherloc (09022015). Collection method: clinical testing. Allele origin: germline.

Center for Pediatric Genomic Medicine, Children's Mercy Hospital and Clinics
Classification: Likely benign. Last evaluated: 2017-08-02. Review status: criteria provided, single submitter. Criteria: ACMG Guidelines, 2015. Collection method: clinical testing. Allele origin: germline.

PreventionGenetics, part of Exact Sciences
Classification: Likely benign for KMT2D-related condition. Last evaluated: 2023-05-17. Review status: no assertion criteria provided. Collection method: clinical testing. Allele origin: germline. Not counted in ClinVar's aggregate classification.
Comment: This variant is classified as likely benign based on ACMG/AMP sequence variant interpretation guidelines (Richards et al. 2015 PMID: 25741868, with internal and published modifications).